The following is an entry in ClinVar:

ClinVar aggregate classification (germline): Uncertain significance (1 of 4 stars; one submission).

Allele frequency attached by ClinVar (database versions not stated): gnomAD exomes 0.00001; ESP Exome Variant Server 0.00009; TOPMed 0.00002; ExAC 0.00002; gnomAD 0.00002.

Submission:

GeneDx
Classification: Uncertain significance. Last evaluated: 2017-01-26. Review status: criteria provided, single submitter. Criteria: GeneDx Variant Classification (06012015). Collection method: clinical testing. Allele origin: germline. Affected: yes.
Comment: The N310K variant in the AGTR2 gene has not been reported previously as a pathogenic variant, nor as a benign variant, to our knowledge. The N310K variant is not observed at a significant frequency in large population cohorts (Lek et al., 2016; 1000 Genomes Consortium et al., 2015; Exome Variant Server). The N310K variant is a semi-conservative amino acid substitution, which may impact secondary protein structure as these residues differ in some properties. This substitution occurs at a position that is conserved across species. In silico analysis predicts this variant is probably damaging to the protein structure/function. We interpret N310K as a variant of uncertain significance.

NM_000686.5(AGTR2):c.930C>A (p.Asn310Lys)

Gene: AGTR2 (angiotensin II receptor type 2; plus strand). Cytogenetic location: Xq23.
Variant type: single nucleotide variant.
Coding change: c.930C>A on transcript NM_000686.5 (MANE Select); coding-DNA position 930, C replaced by A.
Protein change: p.Asn310Lys; replaces asparagine 310 with lysine.
Molecular consequence: missense variant.
Genome position (GRCh38, 1-based): chrX:116,173,210, C>A. VCF-style: chrX-116173210-C-A. GRCh37 (hg19) VCF-style: chrX-115304463-C-A.
Other names: short protein forms N310K.
Identifiers: ClinVar variation 393081 (VCV000393081.2), dbSNP rs372930194, ClinGen allele CA10497331.
Genomic context (GRCh38, chrX:116,173,210, plus strand): 5'-CGAAGTTATAGCAGTCATTGACCTGGCACTTCCTTTTGCCATCCTCTTGGGATTCACCAA[C>A]AGCTGCGTTAATCCGTTTCTGTATTGTTTTGTTGGAAACCGGTTCCAACAGAAGCTCCGC-3'
Protein context (NP_000677.2, residues 300-320): LPFAILLGFT[Asn310Lys]SCVNPFLYCF